The following is an entry in ClinVar:

ClinVar aggregate classification (germline): Uncertain significance (1 of 4 stars; one submission).

Conditions:
Inborn genetic diseases. Identifiers: MedGen C0950123, MeSH D030342.

Submission:

Ambry Genetics
Classification: Uncertain significance for Inborn genetic diseases. Last evaluated: 2025-06-18. Review status: criteria provided, single submitter. Criteria: Ambry Variant Classification Scheme 2023. Collection method: clinical testing. Allele origin: germline.
Comment: The c.345G>A (p.M115I) alteration is located in exon 2 (coding exon 2) of the ZBTB18 gene. This alteration results from a G to A substitution at nucleotide position 345, causing the methionine (M) at amino acid position 115 to be replaced by an isoleucine (I). This variant was not reported in population-based cohorts in the Genome Aggregation Database (gnomAD). This amino acid position is highly conserved in available vertebrate species. This missense alteration is located in a region that has a low rate of benign missense variation (Lek, 2016; Firth, 2009). This alteration is predicted to be deleterious by in silico analysis. Based on insufficient or conflicting evidence, the clinical significance of this alteration remains unclear.

NM_205768.3(ZBTB18):c.345G>A (p.Met115Ile)

Gene: ZBTB18 (zinc finger and BTB domain containing 18; plus strand). Cytogenetic location: 1q44.
Variant type: single nucleotide variant.
Coding change: c.345G>A on transcript NM_205768.3 (MANE Select); coding-DNA position 345, G replaced by A.
Protein change: p.Met115Ile; replaces methionine 115 with isoleucine.
Molecular consequence: missense variant.
Genome position (GRCh38, 1-based): chr1:244,054,119, G>A. VCF-style: chr1-244054119-G-A. GRCh37 (hg19) VCF-style: chr1-244217421-G-A.
Other names: c.318G>A, p.Met106Ile (NM_001278196.2, NM_006352.5); c.345G>A, p.Met115Ile (NM_001421566.1); short protein forms M115I, M106I.
Identifiers: ClinVar variation 3818264 (VCV003818264.2).